The following is an entry in ClinVar:

ClinVar aggregate classification (germline): Uncertain significance. Review status: criteria provided, multiple submitters, no conflicts (2 of 4 stars). 2 submissions from 2 submitters: Uncertain significance (2). Last evaluated 2024-10-21.

Conditions:
Inborn genetic diseases. Identifiers: MedGen C0950123, MeSH D030342.

Allele frequency attached by ClinVar (database versions not stated): ExAC 0.00001; gnomAD exomes 0.00001; gnomAD 0.00002; TOPMed 0.00003.
gnomAD v4.1: 10 of 1,610,784 alleles (0.00062%); highest among the groups gnomAD compares: African/African-American, 0.0067%; no homozygotes.

Submissions (2):

Labcorp Genetics (formerly Invitae), Labcorp
Classification: Uncertain significance. Last evaluated: 2024-10-21. Review status: criteria provided, single submitter. Criteria: Invitae Variant Classification Sherloc (09022015). Collection method: clinical testing. Allele origin: germline.
Comment: This sequence change replaces valine, which is neutral and non-polar, with alanine, which is neutral and non-polar, at codon 932 of the GUCY2C protein (p.Val932Ala). This variant is present in population databases (rs752006363, gnomAD 0.007%). This variant has not been reported in the literature in individuals affected with GUCY2C-related conditions. ClinVar contains an entry for this variant (Variation ID: 1445623). Invitae Evidence Modeling of protein sequence and biophysical properties (such as structural, functional, and spatial information, amino acid conservation, physicochemical variation, residue mobility, and thermodynamic stability) indicates that this missense variant is expected to disrupt GUCY2C protein function with a positive predictive value of 80%. In summary, the available evidence is currently insufficient to determine the role of this variant in disease. Therefore, it has been classified as a Variant of Uncertain Significance.

Ambry Genetics
Classification: Uncertain significance for Inborn genetic diseases. Last evaluated: 2024-08-27. Review status: criteria provided, single submitter. Criteria: Ambry Variant Classification Scheme 2023. Collection method: clinical testing. Allele origin: germline.

NM_004963.4(GUCY2C):c.2795T>C (p.Val932Ala)

Genes: GUCY2C (guanylate cyclase 2C; minus strand), PLBD1-AS1 (PLBD1 antisense RNA 1; plus strand). Cytogenetic location: 12p12.3.
Variant type: single nucleotide variant.
Coding change: c.2795T>C on transcript NM_004963.4 (MANE Select); coding-DNA position 2795, T replaced by C.
Protein change: p.Val932Ala; replaces valine 932 with alanine.
Molecular consequence: missense variant. On other transcripts: non-coding transcript variant (1).
Genome position (GRCh38, 1-based): chr12:14,619,291, A>G on the plus strand (T>C on the coding strand, the complement: GUCY2C is on the minus strand). VCF-style: chr12-14619291-A-G. GRCh37 (hg19) VCF-style: chr12-14772225-A-G.
Other names: c.2795T>C (NM_004963.3); short protein forms V932A.
Identifiers: ClinVar variation 1445623 (VCV001445623.9), dbSNP rs752006363, ClinGen allele CA6462974.